The following is an entry in ClinVar:

ClinVar aggregate classification (germline): Uncertain significance (1 of 4 stars; one submission).

gnomAD v4.1: 1 of 1,611,440 alleles (0.000062%); highest among the groups gnomAD compares: African/African-American, 0.0013%; no homozygotes.

Submission:

Labcorp Genetics (formerly Invitae), Labcorp
Classification: Uncertain significance. Last evaluated: 2022-08-16. Review status: criteria provided, single submitter. Criteria: Invitae Variant Classification Sherloc (09022015). Collection method: clinical testing. Allele origin: germline.
Comment: This sequence change replaces arginine, which is basic and polar, with proline, which is neutral and non-polar, at codon 527 of the KIAA1549 protein (p.Arg527Pro). This variant is not present in population databases (gnomAD no frequency). This variant has not been reported in the literature in individuals affected with KIAA1549-related conditions. ClinVar contains an entry for this variant (Variation ID: 1053454). Algorithms developed to predict the effect of missense changes on protein structure and function output the following: SIFT: "Deleterious"; PolyPhen-2: "Benign"; Align-GVGD: "Class C0". The proline amino acid residue is found in multiple mammalian species, which suggests that this missense change does not adversely affect protein function. In summary, the available evidence is currently insufficient to determine the role of this variant in disease. Therefore, it has been classified as a Variant of Uncertain Significance.

NM_001164665.2(KIAA1549):c.1580G>C (p.Arg527Pro)

Gene: KIAA1549 (KIAA1549; minus strand). Cytogenetic location: 7q34.
Variant type: single nucleotide variant.
Coding change: c.1580G>C on transcript NM_001164665.2 (MANE Select); coding-DNA position 1580, G replaced by C.
Protein change: p.Arg527Pro; replaces arginine 527 with proline.
Molecular consequence: missense variant.
Genome position (GRCh38, 1-based): chr7:138,918,046, C>G on the plus strand (G>C on the coding strand, the complement: KIAA1549 is on the minus strand). VCF-style: chr7-138918046-C-G. GRCh37 (hg19) VCF-style: chr7-138602792-C-G.
Other names: c.1580G>C, p.Arg527Pro (NM_020910.3); short protein forms R527P.
Identifiers: ClinVar variation 1053454 (VCV001053454.9), dbSNP rs373550190, ClinGen allele CA369398066.
Genomic context (GRCh38, chr7:138,918,046, plus strand): 5'-TGGGTTTCAGCAACAGACAAGGAGCCAGCAGTAGGATCAAGTGACGCCGGCACAGAGAGG[C>G]GGCCGTGGGCAGGGGGAACCTGTGTGGTTGTAACACTACTCATATCCACCTCGGCAGAAA-3'
Protein context (NP_001158137.1, residues 517-537): TTTQVPPAHG[Arg527Pro]LSVPASLDPT